The following is an entry in ClinVar:

ClinVar aggregate classification (germline): Pathogenic (1 of 4 stars; one submission).

Conditions:
Combined oxidative phosphorylation defect type 17. Also called: Combined oxidative phosphorylation deficiency 17. Identifiers: Orphanet 369913, MedGen C3809526, MONDO:0014190, OMIM 615440.

gnomAD v4.1: 3 of 1,614,160 alleles (0.00019%); highest among the groups gnomAD compares: Non-Finnish European, 0.00025%; no homozygotes.

Submission:

Labcorp Genetics (formerly Invitae), Labcorp
Classification: Pathogenic for Combined oxidative phosphorylation defect type 17. Last evaluated: 2025-11-06. Review status: criteria provided, single submitter. Criteria: Invitae Variant Classification Sherloc (09022015). Collection method: clinical testing. Allele origin: germline.
Comment: This sequence change creates a premature translational stop signal (p.Cys311*) in the ELAC2 gene. It is expected to result in an absent or disrupted protein product. Loss-of-function variants in ELAC2 are known to be pathogenic (PMID: 27769300, 31045291). This variant is not present in population databases (gnomAD no frequency). This variant has not been reported in the literature in individuals affected with ELAC2-related conditions. Algorithms developed to predict the effect of sequence changes on RNA splicing suggest that this variant may disrupt the consensus splice site. For these reasons, this variant has been classified as Pathogenic.

Literature cited by the submitters: PubMed 27769300; PubMed 31045291.

NM_018127.7(ELAC2):c.933T>A (p.Cys311Ter)

Gene: ELAC2 (elaC ribonuclease Z 2; minus strand). Cytogenetic location: 17p12.
Variant type: single nucleotide variant.
Coding change: c.933T>A on transcript NM_018127.7 (MANE Select); coding-DNA position 933, T replaced by A.
Protein change: p.Cys311Ter; replaces cysteine 311 with a stop codon.
Molecular consequence: nonsense.
Genome position (GRCh38, 1-based): chr17:13,005,039, A>T on the plus strand (T>A on the coding strand, the complement: ELAC2 is on the minus strand). VCF-style: chr17-13005039-A-T. GRCh37 (hg19) VCF-style: chr17-12908356-A-T.
Other names: c.813T>A, p.Cys271Ter (NM_001165962.2); c.933T>A, p.Cys311Ter (NM_173717.2); short protein forms C311*, C271*.
Identifiers: ClinVar variation 4771527 (VCV004771527.1).
Genomic context (GRCh38, chr17:13,005,039, plus strand): 5'-CCCTCATTACCTCTGAAAGGTGGCATTCTCACAGATGGGTTGAATGAAGCTTTCATCTGG[A>T]CATTCTACCACCACAAAAGCAGCACCAGGATCTGGAGGAGTACACAGCTCTTCAGCCAAA-3'